The following is an entry in ClinVar:

ClinVar aggregate classification (germline): Uncertain significance (1 of 4 stars; one submission).

Conditions:
Hereditary cancer-predisposing syndrome. Also called: Neoplastic Syndromes, Hereditary; Tumor predisposition; Hereditary Cancer Syndrome; Hereditary neoplastic syndrome. Identifiers: Orphanet 140162, MedGen C0027672, MeSH D009386, MONDO:0015356.

Submission:

Ambry Genetics
Classification: Uncertain significance for Hereditary cancer-predisposing syndrome. Last evaluated: 2024-10-03. Review status: criteria provided, single submitter. Criteria: Ambry Variant Classification Scheme 2023. Collection method: clinical testing. Allele origin: germline.
Comment: The p.K738N variant (also known as c.2214G>T), located in coding exon 14 of the PTCH1 gene, results from a G to T substitution at nucleotide position 2214. The lysine at codon 738 is replaced by asparagine, an amino acid with similar properties. This amino acid position is highly conserved in available vertebrate species. In addition, this alteration is predicted to be tolerated by in silico analysis. Based on the available evidence, the clinical significance of this variant remains unclear.

NM_000264.5(PTCH1):c.2214G>T (p.Lys738Asn)

Genes: PTCH1 (patched 1; minus strand), LOC100507346 (uncharacterized LOC100507346; plus strand). Cytogenetic location: 9q22.32.
Variant type: single nucleotide variant.
Coding change: c.2214G>T on transcript NM_000264.5 (MANE Select); coding-DNA position 2214, G replaced by T.
Protein change: p.Lys738Asn; replaces lysine 738 with asparagine.
Molecular consequence: missense variant. On other transcripts: non-coding transcript variant (2).
Genome position (GRCh38, 1-based): chr9:95,468,787, C>A on the plus strand (G>T on the coding strand, the complement: PTCH1 is on the minus strand). VCF-style: chr9-95468787-C-A. GRCh37 (hg19) VCF-style: chr9-98231069-C-A.
Other names: c.2016G>T, p.Lys672Asn (NM_001083602.3); c.2211G>T, p.Lys737Asn (NM_001083603.3); c.1761G>T, p.Lys587Asn (NM_001083604.3, NM_001083605.3, NM_001083606.3 and 1 more transcripts); c.2058G>T, p.Lys686Asn (NM_001354918.2); short protein forms K587N, K737N, K686N, K738N, K672N.
Identifiers: ClinVar variation 3427284 (VCV003427284.1).